The following is an entry in ClinVar:

NM_004531.5(MOCS2):c.*2045G>A

Genes: ITGA2 (integrin subunit alpha 2; plus strand), MOCS2 (molybdenum cofactor synthesis 2; minus strand). Cytogenetic location: 5q11.2.
Variant type: single nucleotide variant.
Coding change: c.*2045G>A on transcript NM_004531.5 (MANE Select); 2045 bases downstream of the stop codon, G replaced by A.
Molecular consequence: 3 prime UTR variant.
Genome position (GRCh38, 1-based): chr5:53,096,557, C>T on the plus strand (G>A on the coding strand, the complement: MOCS2 is on the minus strand). VCF-style: chr5-53096557-C-T. GRCh37 (hg19) VCF-style: chr5-52392387-C-T.
Other names: c.*2532G>A (NM_176806.4).
Identifiers: ClinVar variation 903790 (VCV000903790.6), dbSNP rs577647122, ClinGen allele CA118883101.

ClinVar aggregate classification (germline): Conflicting classifications of pathogenicity. Review status: criteria provided, conflicting classifications (1 of 4 stars). 2 submissions from 1 submitter: Uncertain significance (1); Benign (1). Last evaluated 2018-01-13.

Conditions:
Platelet-type bleeding disorder 9 (BDPLT9). Also called: GLYCOPROTEIN Ia DEFICIENCY; GP Ia DEFICIENCY; COLLAGEN PLATELET RECEPTOR DEFICIENCY. Identifiers: Orphanet 73271, Orphanet 98886, MedGen C3280114, MONDO:0013622, OMIM 614200.
Sulfite oxidase deficiency due to molybdenum cofactor deficiency type B1 (MOCODB1). Also called: MOLYBDENUM COFACTOR DEFICIENCY, TYPE B1; Molybdenum cofactor deficiency, complementation group B; Sulfite oxidase deficiency due to molybdenum cofactor deficiency type B; Molybdenum cofactor deficiency B. Identifiers: Orphanet 308393, Orphanet 833, MedGen C6065887, MONDO:0009644, OMIM 252160.

Allele frequency attached by ClinVar (database versions not stated): 1000 Genomes Project 0.00040; TOPMed 0.00093; 1000 Genomes Project 30x 0.00062; gnomAD 0.00111 and 0.00094.

Submissions (2):

Illumina Laboratory Services, Illumina
Classification: Benign for Platelet-type bleeding disorder 9. Last evaluated: 2018-01-13. Review status: criteria provided, single submitter. Criteria: ICSL Variant Classification Criteria 13 December 2019. Collection method: clinical testing. Allele origin: germline.
Comment: This variant was observed in the ICSL laboratory as part of a predisposition screen in an ostensibly healthy population. It had not been previously curated by ICSL or reported in the Human Gene Mutation Database (HGMD: prior to June 1st, 2018), and was therefore a candidate for classification through an automated scoring system. Utilizing variant allele frequency, disease prevalence and penetrance estimates, and inheritance mode, an automated score was calculated to assess if this variant is too frequent to cause the disease. Based on the score and internal cut-off values, a variant classified as benign is not then subjected to further curation. The score for this variant resulted in a classification of benign for this disease.

Illumina Laboratory Services, Illumina
Classification: Uncertain significance for Sulfite oxidase deficiency due to molybdenum cofactor deficiency type B1. Last evaluated: 2018-01-12. Review status: criteria provided, single submitter. Criteria: ICSL Variant Classification Criteria 13 December 2019. Collection method: clinical testing. Allele origin: germline.